The following is an entry in ClinVar:

NM_000350.3(ABCA4):c.1885C>G (p.Pro629Ala)

Gene: ABCA4 (ATP binding cassette subfamily A member 4; minus strand). Cytogenetic location: 1p22.1.
Variant type: single nucleotide variant.
Coding change: c.1885C>G on transcript NM_000350.3 (MANE Select); coding-DNA position 1885, C replaced by G.
Protein change: p.Pro629Ala; replaces proline 629 with alanine.
Molecular consequence: missense variant.
Genome position (GRCh38, 1-based): chr1:94,062,629, G>C on the plus strand (C>G on the coding strand, the complement: ABCA4 is on the minus strand). VCF-style: chr1-94062629-G-C. GRCh37 (hg19) VCF-style: chr1-94528185-G-C.
Other names: c.1885C>G, p.Pro629Ala (NM_001425324.1); short protein forms P629A.
Identifiers: ClinVar variation 2813929 (VCV002813929.3), dbSNP rs1200070789, ClinGen allele CA341279323.

ClinVar aggregate classification (germline): Uncertain significance (1 of 4 stars; one submission).

Allele frequency attached by ClinVar (database versions not stated): TOPMed below 0.00001; gnomAD 0.00001.
gnomAD v4.1: 1 of 1,614,018 alleles (0.000062%); highest among the groups gnomAD compares: Non-Finnish European, 0.000085%; no homozygotes.

Submission:

Labcorp Genetics (formerly Invitae), Labcorp
Classification: Uncertain significance. Last evaluated: 2022-11-12. Review status: criteria provided, single submitter. Criteria: Invitae Variant Classification Sherloc (09022015). Collection method: clinical testing. Allele origin: germline.
Comment: This sequence change replaces proline, which is neutral and non-polar, with alanine, which is neutral and non-polar, at codon 629 of the ABCA4 protein (p.Pro629Ala). In summary, the available evidence is currently insufficient to determine the role of this variant in disease. Therefore, it has been classified as a Variant of Uncertain Significance. Advanced modeling of protein sequence and biophysical properties (such as structural, functional, and spatial information, amino acid conservation, physicochemical variation, residue mobility, and thermodynamic stability) performed at Invitae indicates that this missense variant is expected to disrupt ABCA4 protein function. This variant has not been reported in the literature in individuals affected with ABCA4-related conditions. This variant is not present in population databases (gnomAD no frequency).